The following is an entry in ClinVar:

NM_001845.6(COL4A1):c.3934G>A (p.Val1312Ile)

Gene: COL4A1 (collagen type IV alpha 1 chain; minus strand). Cytogenetic location: 13q34.
Variant type: single nucleotide variant.
Coding change: c.3934G>A on transcript NM_001845.6 (MANE Select); coding-DNA position 3934, G replaced by A.
Protein change: p.Val1312Ile; replaces valine 1312 with isoleucine.
Molecular consequence: missense variant.
Genome position (GRCh38, 1-based): chr13:110,167,173, C>T on the plus strand (G>A on the coding strand, the complement: COL4A1 is on the minus strand). VCF-style: chr13-110167173-C-T. GRCh37 (hg19) VCF-style: chr13-110819520-C-T.
Other names: short protein forms V1312I.
Identifiers: ClinVar variation 1805094 (VCV001805094.4), dbSNP rs761405249, ClinGen allele CA7047099.

ClinVar aggregate classification (germline): Uncertain significance. Review status: criteria provided, multiple submitters, no conflicts (2 of 4 stars). 2 submissions from 2 submitters: Uncertain significance (2). Last evaluated 2024-01-03.

Conditions:
Autosomal dominant familial hematuria-retinal arteriolar tortuosity-contractures syndrome. Also called: Hereditary Angiopathy with Nephropathy, Aneurysms, and Muscle Cramps (HANAC) Syndrome; Angiopathy, hereditary, with nephropathy, aneurysms, and muscle cramps. Identifiers: Orphanet 73229, MedGen C2673195, MONDO:0012726, OMIM 611773.

Allele frequency attached by ClinVar (database versions not stated): gnomAD 0.00001; gnomAD exomes 0.00001; TOPMed 0.00001; ExAC 0.00002.
gnomAD v4.1: 12 of 1,613,888 alleles (0.00074%); highest among the groups gnomAD compares: Non-Finnish European, 0.001%; no homozygotes.

Submissions (2):

Labcorp Genetics (formerly Invitae), Labcorp
Classification: Uncertain significance. Last evaluated: 2024-01-03. Review status: criteria provided, single submitter. Criteria: Invitae Variant Classification Sherloc (09022015). Collection method: clinical testing. Allele origin: germline.
Comment: This sequence change replaces valine, which is neutral and non-polar, with isoleucine, which is neutral and non-polar, at codon 1312 of the COL4A1 protein (p.Val1312Ile). This variant is present in population databases (rs761405249, gnomAD 0.003%). This variant has not been reported in the literature in individuals affected with COL4A1-related conditions. ClinVar contains an entry for this variant (Variation ID: 1805094). An algorithm developed to predict the effect of missense changes on protein structure and function (PolyPhen-2) suggests that this variant is likely to be disruptive. In summary, the available evidence is currently insufficient to determine the role of this variant in disease. Therefore, it has been classified as a Variant of Uncertain Significance.

Victorian Clinical Genetics Services, Murdoch Childrens Research Institute
Classification: Uncertain significance for Autosomal dominant familial hematuria-retinal arteriolar tortuosity-contractures syndrome. Last evaluated: 2022-02-02. Review status: criteria provided, single submitter. Criteria: ACMG Guidelines, 2015. Collection method: clinical testing. Allele origin: germline. Inheritance: Autosomal dominant inheritance. Affected: yes.
Comment: Based on the classification scheme VCGS_Germline_v1.3.4, this variant is classified as VUS-3B. Following criteria are met: 0103 - Dominant negative and loss of function are known mechanisms of disease in this gene and are associated with COL4A1-related disease. (PMID: 16159887, 23065703). (I) 0107 - This gene is associated with autosomal dominant disease. (I) 0112 - The condition associated with this gene has incomplete penetrance. Asymptomatic carriers have been reported in the context of neurological phenotypes (PMID: 30413629). (I) 0200 - Variant is predicted to result in a missense amino acid change from valine to isoleucine. (I) 0251 - This variant is heterozygous. (I) 0302 - Variant is present in gnomAD (v2) <0.001 for a dominant condition (4 heterozygotes, 0 homozygotes). (SP) 0502 - Missense variant with conflicting in silico predictions and uninformative conservation. (I) 0600 - Variant is located in the annotated Collagen domain (NCBI CD). (I) 0705 - No comparable missense variants have previous evidence for pathogenicity. (I) 0807 - This variant has no previous evidence of pathogenicity. (I) 0905 - No published segregation evidence has been identified for this variant. (I) 1007 - No published functional evidence has been identified for this variant. (I) 1208 - Inheritance information for this variant is not currently available in this individual. (I) Legend: (SP) - Supporting pathogenic, (I) - Information, (SB) - Supporting benign

Literature cited by the submitters: PubMed 16159887 (cited by Victorian Clinical Genetics Services, Murdoch Childrens Research Institute); PubMed 23065703 (cited by Victorian Clinical Genetics Services, Murdoch Childrens Research Institute); PubMed 30413629 (cited by Victorian Clinical Genetics Services, Murdoch Childrens Research Institute).